The following is an entry in ClinVar:

ClinVar aggregate classification (germline): Pathogenic. Review status: reviewed by expert panel (3 of 4 stars). 27 submissions from 26 submitters: Pathogenic (1). 26 of the submissions do not count toward it. Last evaluated 2017-03-17.

Conditions:
CFTR-related disorder (CFTR-RD). Also called: CFTR-related disorders; CFTR-related condition. Identifiers: MedGen C5924204, MONDO:7770004.
Cystic fibrosis (CF). Also called: MUCOVISCIDOSIS. Identifiers: Orphanet 586, MedGen C0010674, MONDO:0009061, OMIM 219700. Disease mechanism: loss of function.
Congenital bilateral aplasia of vas deferens from CFTR mutation (CBAVD). Identifiers: Orphanet 48, MedGen C0403814, MONDO:0010178, OMIM 277180. Disease mechanism: loss of function.
Bronchiectasis with or without elevated sweat chloride 1 (BESC1). Also called: Cystic Fibrosis-Like Syndrome. Identifiers: Orphanet 60033, MedGen C2749757, MONDO:0008887, OMIM 211400.
Hereditary pancreatitis (PCTT). Also called: Hereditary chronic pancreatitis; PRSS1-Related Hereditary Pancreatitis. Identifiers: Orphanet 676, MedGen C0238339, MONDO:0008185, OMIM 167800.

Allele frequency attached by ClinVar (database versions not stated): ExAC 0.00001; gnomAD exomes 0.00004 and 0.00011; gnomAD 0.00005 and 0.00006; TOPMed 0.00005; ESP Exome Variant Server 0.00015.
gnomAD v4.1: 134 of 1,312,924 alleles (0.01%); highest among the groups gnomAD compares: Non-Finnish European, 0.013%; no homozygotes.

Submissions 1 to 8 of 27:

CFTR2
Classification: Pathogenic for Cystic fibrosis. Last evaluated: 2017-03-17. Review status: reviewed by expert panel. Criteria: Sosnay PR et al. (Nat Genet 2013). Collection method: research. Allele origin: germline. Affected: yes. Study: CFTR2.

PreventionGenetics, part of Exact Sciences
Classification: Pathogenic for CFTR-related condition. Last evaluated: 2026-08-03. Review status: criteria provided, single submitter. Criteria: ACMG Guidelines, 2015. Collection method: clinical testing. Allele origin: germline. Not counted in ClinVar's aggregate classification.
Comment: The CFTR c.3140-26A>G variant is predicted to interfere with splicing. This variant, also described as c.3272-26A>G in the literature, has been reported in multiple unrelated patients with cystic fibrosis, pancreatitis, and congenital bilateral absence of vas deferens (Beck et al. 1999. PubMed ID: 10425036; Feldmann et al. 2003. PubMed ID: 12955726; Alonso et al. 2007. PubMed ID: 17331079; Ooi and Durie. 2012. PubMed ID: 22658665; Sosnay et al. 2013. PubMed ID: 23974870; Ahting et al. 2023. PubMed ID: 37867076; Chernykh et al. 2023. PubMed ID: 38003474). Messenger RNA studies showed that this variant leads to aberrant splicing with the inclusion of 25 additional nucleotides of intron 17a (Beck et al. 1999. PubMed ID: 10425036). This variant is reported in 0.012% of alleles in individuals of Latino descent in gnomAD. This variant is interpreted as pathogenic.

Institute of Human Genetics, University of Leipzig Medical Center
Classification: Pathogenic for Cystic fibrosis. Last evaluated: 2026-02-23. Review status: criteria provided, single submitter. Criteria: ACMG Guidelines, 2015. Collection method: clinical testing. Allele origin: unknown. Inheritance: Autosomal recessive inheritance. Affected: yes. Not counted in ClinVar's aggregate classification.
Comment: Criteria applied: PM3_VSTR,PVS1_STR,PS3_SUP

Labcorp Genetics (formerly Invitae), Labcorp
Classification: Pathogenic for Cystic fibrosis. Last evaluated: 2026-01-26. Review status: criteria provided, single submitter. Criteria: Invitae Variant Classification Sherloc (09022015). Collection method: clinical testing. Allele origin: germline. Not counted in ClinVar's aggregate classification.
Comment: This sequence change falls in intron 19 of the CFTR gene. It does not directly change the encoded amino acid sequence of the CFTR protein. It affects a nucleotide within the consensus splice site. This variant is present in population databases (rs76151804, gnomAD 0.01%). This variant has been observed in individual(s) with cystic fibrosis (PMID: 17481968, 23974870). It has also been observed to segregate with disease in related individuals. This variant is also known as 3272-26A>G. ClinVar contains an entry for this variant (Variation ID: 35864). Studies have shown that this variant alters CFTR gene expression (PMID: 12397022, 23974870). Variants that disrupt the consensus splice site are a relatively common cause of aberrant splicing (PMID: 17576681, 9536098). Algorithms developed to predict the effect of sequence changes on RNA splicing suggest that this variant may disrupt the consensus splice site. For these reasons, this variant has been classified as Pathogenic.

Genomic Medicine Center of Excellence, King Faisal Specialist Hospital and Research Centre
Classification: Pathogenic for Cystic fibrosis. Last evaluated: 2025-09-10. Review status: criteria provided, single submitter. Criteria: ACMG Guidelines, 2015. Collection method: clinical testing. Allele origin: germline. Not counted in ClinVar's aggregate classification.

Natera, Inc.
Classification: Pathogenic for CFTR-related disorders. Last evaluated: 2025-08-26. Review status: criteria provided, single submitter. Criteria: Natera Variant Classification Schema (03/2026). Collection method: clinical testing. Allele origin: germline. Not counted in ClinVar's aggregate classification.
Comment: The c.3140-26A>G variant in CFTR is an intronic variant located outside the canonical splice sites. This variant is rare in the general population with a frequency below the threshold expected for the associated phenotype(s). This variant has been observed in one or more individuals affected with the associated recessive disease, as either homozygous or compound heterozygous with a second variant (PMID: 27086061). Given the available evidence, this variant is classified as Pathogenic.

Ambry Genetics
Classification: Pathogenic for Cystic fibrosis. Last evaluated: 2025-06-05. Review status: criteria provided, single submitter. Criteria: Ambry Variant Classification Scheme 2023. Collection method: clinical testing. Allele origin: germline. Not counted in ClinVar's aggregate classification.
Comment: The c.3140-26A>G intronic pathogenic mutation (also known as 3272-26A>G) results from an A to G substitution 26 nucleotides upstream from coding exon 20 in the CFTR gene. This alteration has been shown to alter splicing and add 25 nucleotides to the final transcript, causing a premature translational stop codon (Beck S et al. Hum. Mutat., 1999;14:133-44). Another study demonstrated this pathogenic mutation, when in combination with p.F508del, decreased the amount of normal CFTR mRNA to 8.2% of total CFTR mRNA (Ramalho AS et al. Am. J. Respir. Cell Mol. Biol., 2002 Nov;27:619-27). In a cohort of 60 individuals with cystic fibrosis, this alteration was associated with a later presentation of disease, a reduced risk of pancreatic insufficiency, and better lung function (Amaral MD et al. J. Med. Genet., 2001 Nov;38:777-83). This nucleotide position is poorly conserved in available vertebrate species. In silico splice site analysis predicts that this alteration may weaken the native splice acceptor site and will result in the creation or strengthening of a novel splice acceptor site. Based on the supporting evidence, this variant is interpreted as a disease-causing mutation.

Women's Health and Genetics/Laboratory Corporation of America, LabCorp
Classification: Pathogenic for Cystic fibrosis. Last evaluated: 2025-03-05. Review status: criteria provided, single submitter. Criteria: LabCorp Variant Classification Summary - May 2015. Collection method: clinical testing. Allele origin: germline. Not counted in ClinVar's aggregate classification.
Comment: Variant summary: CFTR c.3140-26A>G is located at a position not widely known to affect splicing. Several computational tools predict a significant impact on normal splicing: Four predict the variant creates a 3' acceptor site. At least one publication reports experimental evidence that this variant affects mRNA splicing (Beck_1999). The variant allele was found at a frequency of 4.2e-05 in 236636 control chromosomes. This frequency is not significantly higher than estimated for a pathogenic variant in CFTR causing Non-Classic Cystic Fibrosis (4.2e-05 vs 0.013), allowing no conclusion about variant significance. c.3140-26A>G has been reported in the literature in multiple individuals affected with Non-Classic Cystic Fibrosis (e.g., Fanen_1992, Cheadle_1993, Dork_1994, Bienvenu_1995, Cuppens_1993, Alonso_2007, Feldmann_2003, Beck_1999, Goldman_2001, Claustres_2000). These data indicate that the variant is very likely to be associated with disease. At least one publication reports experimental evidence evaluating an impact on protein function. The most pronounced variant effect results in <10% of normal activity (Beck_1999). The following publications have been ascertained in the context of this evaluation (PMID: 7508414, 1379210, 17331079, 10923036, 12955726, 7525450, 10425036, 8592345, 11732487, 7505689, 11168023). ClinVar contains an entry for this variant (Variation ID: 35864). Based on the evidence outlined above, the variant was classified as pathogenic.

NM_000492.4(CFTR):c.3140-26A>G

Genes: CFTR (CF transmembrane conductance regulator; plus strand), CFTR-AS2 (CFTR antisense RNA 2; minus strand), LOC111674472 (DNase I hypersensitive sites in introns 16 and 17a of CFTR; plus strand). Cytogenetic location: 7q31.2.
Variant type: single nucleotide variant.
Coding change: c.3140-26A>G on transcript NM_000492.4 (MANE Select); 26 bases into the intron before coding-DNA position 3140, A replaced by G.
Molecular consequence: intron variant.
Genome position (GRCh38, 1-based): chr7:117,611,555, A>G. VCF-style: chr7-117611555-A-G. GRCh37 (hg19) VCF-style: chr7-117251609-A-G.
Other names: 3272-26A->G; p.?.
Identifiers: ClinVar variation 35864 (VCV000035864.97), dbSNP rs76151804, ClinGen allele CA342838.